The following is an entry in ClinVar:

NM_006516.4(SLC2A1):c.354C>T (p.Ser118=)

Gene: SLC2A1 (solute carrier family 2 member 1; minus strand). Cytogenetic location: 1p34.2.
Variant type: single nucleotide variant.
Coding change: c.354C>T on transcript NM_006516.4 (MANE Select); coding-DNA position 354, C replaced by T.
Protein change: p.Ser118=; no amino-acid change (serine 118 retained).
Molecular consequence: synonymous variant.
Genome position (GRCh38, 1-based): chr1:42,930,788, G>A on the plus strand (C>T on the coding strand, the complement: SLC2A1 is on the minus strand). VCF-style: chr1-42930788-G-A. GRCh37 (hg19) VCF-style: chr1-43396459-G-A.
Identifiers: ClinVar variation 745206 (VCV000745206.13), dbSNP rs1393465480, ClinGen allele CA417543921.

ClinVar aggregate classification (germline): Likely benign. Review status: criteria provided, multiple submitters, no conflicts (2 of 4 stars). 7 submissions from 3 submitters: Likely benign (7). Last evaluated 2025-07-08.

Conditions:
Epilepsy, idiopathic generalized, susceptibility to, 12 (EIG12). Identifiers: MedGen C3553859, MONDO:0013919, OMIM 614847.
Dystonia 9 (DYT9). Also called: CHOREOATHETOSIS, KINESIGENIC, WITH EPISODIC ATAXIA AND SPASTICITY. Identifiers: Orphanet 53583, MedGen C1832855, MONDO:0010983, OMIM 601042.
Encephalopathy due to GLUT1 deficiency. Also called: Classic Glucose Transporter Type 1 Deficiency Syndrome; GLUCOSE TRANSPORT DEFECT, BLOOD-BRAIN BARRIER; GLUT1 deficiency syndrome 1; De Vivo disease; GLUT1 deficiency syndrome 1, infantile onset, severe; Glucose transporter protein syndrome. Identifiers: Orphanet 71277, MedGen C4551966, MONDO:0011724, OMIM 606777.
GLUT1 deficiency syndrome 1, autosomal recessive. Identifiers: MedGen C3149117.
Childhood onset GLUT1 deficiency syndrome 2. Also called: GLUT1 deficiency syndrome 2; Paroxysmal exercise-induced dystonia; PxMD-SLC2A1; Exertion-induced paroxysmal dyskinesia; PAROXYSMAL EXERCISE-INDUCED DYSKINESIA WITH OR WITHOUT EPILEPSY AND/OR HEMOLYTIC ANEMIA; PAROXYSMAL EXERTION-INDUCED DYSTONIA WITH OR WITHOUT EPILEPSY AND/OR HEMOLYTIC ANEMIA. Identifiers: Orphanet 98811, MedGen C1842534, MONDO:0012805, OMIM 612126.
Hereditary cryohydrocytosis with reduced stomatin. Also called: Stomatin-deficient cryohydrocytosis with neurologic defects; GLUT1 DEFICIENCY SYNDROME WITH PSEUDOHYPERKALEMIA AND HEMOLYSIS. Identifiers: Orphanet 168577, MedGen C1837206, MONDO:0012143, OMIM 608885.

Allele frequency attached by ClinVar (database versions not stated): gnomAD exomes below 0.00001 and 0.00001; TOPMed below 0.00001.
gnomAD v4.1: 7 of 1,602,982 alleles (0.00044%); highest among the groups gnomAD compares: Admixed American, 0.01%; no homozygotes.

Submissions (7):

Labcorp Genetics (formerly Invitae), Labcorp
Classification: Likely benign for GLUT1 deficiency syndrome 1, autosomal recessive. Last evaluated: 2025-07-08. Review status: criteria provided, single submitter. Criteria: Invitae Variant Classification Sherloc (09022015). Collection method: clinical testing. Allele origin: germline.

Genome-Nilou Lab
Classification: Likely benign for Epilepsy, idiopathic generalized, susceptibility to, 12. Last evaluated: 2023-04-11. Review status: criteria provided, single submitter. Criteria: ACMG Guidelines, 2015. Collection method: clinical testing. Allele origin: germline. Affected: no.

Genome-Nilou Lab
Classification: Likely benign for Dystonia 9. Last evaluated: 2023-04-11. Review status: criteria provided, single submitter. Criteria: ACMG Guidelines, 2015. Collection method: clinical testing. Allele origin: germline. Affected: no.

Genome-Nilou Lab
Classification: Likely benign for Encephalopathy due to GLUT1 deficiency. Last evaluated: 2023-04-11. Review status: criteria provided, single submitter. Criteria: ACMG Guidelines, 2015. Collection method: clinical testing. Allele origin: germline. Affected: no.

Genome-Nilou Lab
Classification: Likely benign for Childhood onset GLUT1 deficiency syndrome 2. Last evaluated: 2023-04-11. Review status: criteria provided, single submitter. Criteria: ACMG Guidelines, 2015. Collection method: clinical testing. Allele origin: germline. Affected: no.

Genome-Nilou Lab
Classification: Likely benign for Hereditary cryohydrocytosis with reduced stomatin. Last evaluated: 2023-04-11. Review status: criteria provided, single submitter. Criteria: ACMG Guidelines, 2015. Collection method: clinical testing. Allele origin: germline. Affected: no.

Unidad de Genómica Garrahan, Hospital de Pediatría Garrahan
Classification: Likely benign for Encephalopathy due to GLUT1 deficiency. Last evaluated: 2023-02-17. Review status: criteria provided, single submitter. Criteria: ACMG Guidelines, 2015. Collection method: clinical testing. Allele origin: maternal. Inheritance: Autosomal dominant inheritance. Affected: yes. Observed: 1 heterozygote.
Comment: Likely benign (II) (PM2, BP2, BP6, BP7)